The following is an entry in ClinVar:

NM_001313726.2(ANO3):c.104C>G (p.Ser35Cys)

Gene: ANO3 (anoctamin 3; plus strand). Cytogenetic location: 11p14.3.
Variant type: single nucleotide variant.
Coding change: c.104C>G on transcript NM_001313726.2; coding-DNA position 104, C replaced by G.
Protein change: p.Ser35Cys; replaces serine 35 with cysteine.
Molecular consequence: missense variant.
Genome position (GRCh38, 1-based): chr11:26,189,280, C>G. VCF-style: chr11-26189280-C-G. GRCh37 (hg19) VCF-style: chr11-26210827-C-G.
Other names: short protein forms S35C.
Identifiers: ClinVar variation 1701170 (VCV001701170.28), dbSNP rs759498297, ClinGen allele CA219733660.
Genomic context (GRCh38, chr11:26,189,280, plus strand): 5'-GCTTCAGACATGAGCACGCTTCCAACTCATGTTTTGCTTTACCCTGTTTGACTGAACTCT[C>G]TGGTGATTCTAGTCAACTGGAACTTCAGCACTCCAGTTCTGTCCCGACTGGTAAGCTAAC-3'

ClinVar aggregate classification (germline): Likely benign (1 of 4 stars; one submission).

Allele frequency attached by ClinVar (database versions not stated): gnomAD exomes 0.00093; gnomAD 0.00032 and 0.00031; TOPMed 0.00036.
gnomAD v4.1: 824 of 985,230 alleles (0.084%); highest among the groups gnomAD compares: Non-Finnish European, 0.095%; 1 homozygote.

Submission:

CeGaT Center for Human Genetics Tuebingen
Classification: Likely benign. Last evaluated: 2025-08-01. Review status: criteria provided, single submitter. Criteria: CeGaT Center For Human Genetics Tuebingen Variant Classification Criteria Version 2. Collection method: clinical testing. Allele origin: germline. Affected: yes. Observed: 1 variant allele.
Comment: ANO3: BS1